The following is an entry in ClinVar:

NM_000548.5(TSC2):c.446A>G (p.Asn149Ser)

Gene: TSC2 (TSC complex subunit 2; plus strand). Cytogenetic location: 16p13.3.
Variant type: single nucleotide variant.
Coding change: c.446A>G on transcript NM_000548.5 (MANE Select); coding-DNA position 446, A replaced by G.
Protein change: p.Asn149Ser; replaces asparagine 149 with serine.
Molecular consequence: missense variant. On other transcripts: intron variant (1).
Genome position (GRCh38, 1-based): chr16:2,054,405, A>G. VCF-style: chr16-2054405-A-G. GRCh37 (hg19) VCF-style: chr16-2104406-A-G.
Other names: c.446A>G, p.Asn149Ser (NM_001077183.3, NM_001114382.3, NM_001363528.2 and 3 more transcripts); c.335A>G, p.Asn112Ser (NM_001318827.2); c.299A>G, p.Asn100Ser (NM_001318829.2); c.479A>G, p.Asn160Ser (NM_001318832.2); c.-1-1791A>G (NM_001318831.2); short protein forms N149S, N112S, N160S, N100S.
Identifiers: ClinVar variation 480817 (VCV000480817.25), dbSNP rs1029118280, ClinGen allele CA276771541.

ClinVar aggregate classification (germline): Uncertain significance. Review status: criteria provided, multiple submitters, no conflicts (2 of 4 stars). 7 submissions from 7 submitters: Uncertain significance (7). Last evaluated 2025-03-04.

Conditions:
Hereditary cancer-predisposing syndrome. Also called: Hereditary neoplastic syndrome; Neoplastic Syndromes, Hereditary; Tumor predisposition; Hereditary Cancer Syndrome. Identifiers: Orphanet 140162, MedGen C0027672, MeSH D009386, MONDO:0015356.
Tuberous sclerosis syndrome (TSC). Also called: Tuberous Sclerosis Complex; Tuberous sclerosis. Identifiers: Orphanet 805, MedGen C0041341, MONDO:0001734.
Tuberous sclerosis 2 (TSC2). Identifiers: Orphanet 805, MedGen C1860707, MONDO:0013199, OMIM 613254.

Allele frequency attached by ClinVar (database versions not stated): gnomAD exomes below 0.00001; gnomAD 0.00001; TOPMed 0.00001.
gnomAD v4.1: 7 of 1,614,098 alleles (0.00043%); highest among the groups gnomAD compares: Admixed American, 0.0017%; no homozygotes.

Submissions (7):

Ambry Genetics
Classification: Uncertain significance for Hereditary cancer-predisposing syndrome. Last evaluated: 2025-03-04. Review status: criteria provided, single submitter. Criteria: Ambry Variant Classification Scheme 2023. Collection method: clinical testing. Allele origin: germline.
Comment: The p.N149S variant (also known as c.446A>G), located in coding exon 4 of the TSC2 gene, results from an A to G substitution at nucleotide position 446. The asparagine at codon 149 is replaced by serine, an amino acid with highly similar properties. This amino acid position is well conserved in available vertebrate species. In addition, this alteration is predicted to be tolerated by in silico analysis. Based on the available evidence, the clinical significance of this variant remains unclear.

Labcorp Genetics (formerly Invitae), Labcorp
Classification: Uncertain significance for Tuberous sclerosis 2. Last evaluated: 2024-10-15. Review status: criteria provided, single submitter. Criteria: Invitae Variant Classification Sherloc (09022015). Collection method: clinical testing. Allele origin: germline.
Comment: This sequence change replaces asparagine, which is neutral and polar, with serine, which is neutral and polar, at codon 149 of the TSC2 protein (p.Asn149Ser). This variant is not present in population databases (gnomAD no frequency). This variant has not been reported in the literature in individuals affected with TSC2-related conditions. ClinVar contains an entry for this variant (Variation ID: 480817). Invitae Evidence Modeling of protein sequence and biophysical properties (such as structural, functional, and spatial information, amino acid conservation, physicochemical variation, residue mobility, and thermodynamic stability) indicates that this missense variant is not expected to disrupt TSC2 protein function with a negative predictive value of 95%. In summary, the available evidence is currently insufficient to determine the role of this variant in disease. Therefore, it has been classified as a Variant of Uncertain Significance.

All of Us Research Program, National Institutes of Health
Classification: Uncertain significance for Tuberous sclerosis syndrome. Last evaluated: 2024-04-25. Review status: criteria provided, single submitter. Criteria: ACMG Guidelines, 2015. Collection method: clinical testing. Allele origin: germline. Inheritance: Autosomal dominant inheritance. Observed: 1 variant allele, 1 heterozygote.
Comment: This missense variant replaces asparagine with serine at codon 149 of the TSC2 protein. Computational prediction suggests that this variant may not impact protein structure and function (internally defined REVEL score threshold <= 0.5, PMID: 27666373). To our knowledge, functional studies have not been reported for this variant. This variant has not been reported in individuals affected with TSC2-related disorders in the literature. This variant has not been identified in the general population by the Genome Aggregation Database (gnomAD). The available evidence is insufficient to determine the role of this variant in disease conclusively. Therefore, this variant is classified as a Variant of Uncertain Significance.

This study involves interpretation of variants in research participants for the purpose of population health screening. Participant phenotype was not available at the time of variant classification. Additional details can be found in publication PMID: 35346344, PMCID: PMC8962531

Color Diagnostics, LLC DBA Color Health
Classification: Uncertain significance for Tuberous sclerosis syndrome. Last evaluated: 2024-04-10. Review status: criteria provided, single submitter. Criteria: ACMG Guidelines, 2015. Collection method: clinical testing. Allele origin: germline.
Comment: This missense variant replaces asparagine with serine at codon 149 of the TSC2 protein. Computational prediction suggests that this variant may not impact protein structure and function. To our knowledge, functional studies have not been reported for this variant. This variant has not been reported in individuals affected with TSC2-related disorders in the literature. This variant has not been identified in the general population by the Genome Aggregation Database (gnomAD). The available evidence is insufficient to determine the role of this variant in disease conclusively. Therefore, this variant is classified as a Variant of Uncertain Significance.

Women's Health and Genetics/Laboratory Corporation of America, LabCorp
Classification: Uncertain significance. Last evaluated: 2024-02-27. Review status: criteria provided, single submitter. Criteria: LabCorp Variant Classification Summary - May 2015. Collection method: clinical testing. Allele origin: germline.
Comment: Variant summary: TSC2 c.446A>G (p.Asn149Ser) results in a conservative amino acid change located in the Tuberin, N-terminal domain (IPR024584) of the encoded protein sequence. Three of five in-silico tools predict a damaging effect of the variant on protein function. The variant was absent in 251492 control chromosomes. The available data on variant occurrences in the general population are insufficient to allow any conclusion about variant significance. To our knowledge, no occurrence of c.446A>G in individuals affected with Tuberous Sclerosis Complex and no experimental evidence demonstrating its impact on protein function have been reported. ClinVar contains an entry for this variant (Variation ID: 480817). Based on the evidence outlined above, the variant was classified as uncertain significance.

GeneDx
Classification: Uncertain significance. Last evaluated: 2023-10-25. Review status: criteria provided, single submitter. Criteria: GeneDx Variant Classification Process June 2021. Collection method: clinical testing. Allele origin: germline. Affected: yes.
Comment: Not observed at significant frequency in large population cohorts (gnomAD); In silico analysis supports that this missense variant has a deleterious effect on protein structure/function; Has not been previously published as pathogenic or benign to our knowledge; This variant is associated with the following publications: (PMID: 18466115)

Genome-Nilou Lab
Classification: Uncertain significance for Tuberous sclerosis 2. Last evaluated: 2021-11-07. Review status: criteria provided, single submitter. Criteria: ACMG Guidelines, 2015. Collection method: clinical testing. Allele origin: germline. Affected: no.